The following is an entry in ClinVar:

ClinVar aggregate classification (germline): Pathogenic/Likely pathogenic. Review status: criteria provided, multiple submitters, no conflicts (2 of 4 stars). 3 submissions from 3 submitters: Pathogenic (1); Likely pathogenic (1). 1 of the submissions does not count toward it. Last evaluated 2024-05-09.

Conditions:
Lamellar ichthyosis. Identifiers: Orphanet 313, MedGen C5848247, MONDO:0017778.
Autosomal recessive congenital ichthyosis 5 (ARCI5). Also called: ICHTHYOSIS CONGENITA III; Ichthyosis, nonlamellar and nonerythrodermic, congenital, autosomal recessive. Identifiers: Orphanet 313, MedGen C1858133, MONDO:0011485, OMIM 604777.

Allele frequency attached by ClinVar (database versions not stated): gnomAD exomes 0.00001; TOPMed below 0.00001; ExAC 0.00001; gnomAD 0.00001.
gnomAD v4.1: 9 of 1,614,030 alleles (0.00056%); highest among the groups gnomAD compares: African/African-American, 0.0013%; no homozygotes.

Submissions (3):

Fulgent Genetics
Classification: Likely pathogenic for Autosomal recessive congenital ichthyosis 5. Last evaluated: 2024-05-09. Review status: criteria provided, single submitter. Criteria: ACMG Guidelines, 2015. Collection method: clinical testing. Allele origin: germline.

Women's Health and Genetics/Laboratory Corporation of America, LabCorp
Classification: Pathogenic for Lamellar ichthyosis. Last evaluated: 2024-05-03. Review status: criteria provided, single submitter. Criteria: LabCorp Variant Classification Summary - May 2015. Collection method: clinical testing. Allele origin: germline.
Comment: Variant summary: CYP4F22 c.1085G>A (p.Arg362Gln) results in a conservative amino acid change in the encoded protein sequence. Three of five in-silico tools predict a benign effect of the variant on protein function. The variant allele was found at a frequency of 1.2e-05 in 251308 control chromosomes. c.1085G>A has been reported in the literature in individuals affected with Lamellar Ichthyosis both in the homozygous and compound heterozygous state (e.g. Buckova_2016, Das_2023). These data indicate that the variant is likely to be associated with disease. In at least one experimental study the variant was shown to cause a complete or nearly complete loss of omega-hydroxylase activity (Nohara_2021). The following publications have been ascertained in the context of this evaluation (PMID: 33067036, 25998749, 37075885). ClinVar contains an entry for this variant (Variation ID: 560337). Based on the evidence outlined above, the variant was classified as pathogenic.

Institute for Human Genetics, University Medical Center Freiburg
Classification: Pathogenic for Autosomal recessive congenital ichthyosis 5. Last evaluated: 2018-04-23. Review status: no assertion criteria provided. Collection method: clinical testing. Allele origin: germline. Affected: yes. Not counted in ClinVar's aggregate classification.

Literature cited by the submitters: PubMed 33067036 (cited by Women's Health and Genetics/Laboratory Corporation of America, LabCorp); PubMed 25998749 (cited by Women's Health and Genetics/Laboratory Corporation of America, LabCorp and Institute for Human Genetics, University Medical Center Freiburg); PubMed 37075885 (cited by Women's Health and Genetics/Laboratory Corporation of America, LabCorp).

NM_173483.4(CYP4F22):c.1085G>A (p.Arg362Gln)

Gene: CYP4F22 (cytochrome P450 family 4 subfamily F member 22; plus strand). Cytogenetic location: 19p13.12.
Variant type: single nucleotide variant.
Coding change: c.1085G>A on transcript NM_173483.4 (MANE Select); coding-DNA position 1085, G replaced by A.
Protein change: p.Arg362Gln; replaces arginine 362 with glutamine.
Molecular consequence: missense variant.
Genome position (GRCh38, 1-based): chr19:15,544,228, G>A. VCF-style: chr19-15544228-G-A. GRCh37 (hg19) VCF-style: chr19-15655039-G-A.
Other names: short protein forms R362Q.
Identifiers: ClinVar variation 560337 (VCV000560337.8), dbSNP rs769229606, ClinGen allele CA9269834.